The following is an entry in ClinVar:

NM_001079866.2(BCS1L):c.656-1G>A

Gene: BCS1L (BCS1 ubiquinol-cytochrome c reductase complex chaperone; plus strand). Cytogenetic location: 2q35.
Variant type: single nucleotide variant.
Coding change: c.656-1G>A on transcript NM_001079866.2 (MANE Select); the canonical splice acceptor site of the intron before coding-DNA position 656, G replaced by A.
Molecular consequence: splice acceptor variant.
Genome position (GRCh38, 1-based): chr2:218,662,196, G>A. VCF-style: chr2-218662196-G-A. GRCh37 (hg19) VCF-style: chr2-219526919-G-A.
Other names: c.656-1G>A (NM_001374085.1, NM_001371446.1, NM_001371450.1 and 10 more transcripts); c.155-1G>A (NM_001374086.1, NM_001371454.1, NM_001371453.1 and 3 more transcripts); c.296-1G>A (NM_001371451.1, NM_001318836.2).
Identifiers: ClinVar variation 2129294 (VCV002129294.4), dbSNP rs1470234875, ClinGen allele CA350627842.
Genomic context (GRCh38, chr2:218,662,196, plus strand): 5'-GGCTGGGAATGAACGTAGATATCCGGGGCAAAAGACATGATCATCCTGGCTCTATCCCTA[G>A]GCATTCCTTACAGACGTGGCTACCTGCTTTATGGGCCCCCTGGTTGCGGAAAGAGCAGTT-3'

ClinVar aggregate classification (germline): Likely pathogenic (1 of 4 stars; one submission).

Allele frequency attached by ClinVar (database versions not stated): gnomAD exomes below 0.00001.

Submission:

Labcorp Genetics (formerly Invitae), Labcorp
Classification: Likely pathogenic. Last evaluated: 2024-04-29. Review status: criteria provided, single submitter. Criteria: Invitae Variant Classification Sherloc (09022015). Collection method: clinical testing. Allele origin: germline.
Comment: This sequence change affects an acceptor splice site in intron 5 of the BCS1L gene. It is expected to disrupt RNA splicing. Variants that disrupt the donor or acceptor splice site typically lead to a loss of protein function (PMID: 16199547), and loss-of-function variants in BCS1L are known to be pathogenic (PMID: 12215968, 17314340, 19162478, 19508421, 22277166, 25895478). This variant is present in population databases (no rsID available, gnomAD 0.0009%). This variant has not been reported in the literature in individuals affected with BCS1L-related conditions. ClinVar contains an entry for this variant (Variation ID: 2129294). Algorithms developed to predict the effect of sequence changes on RNA splicing suggest that this variant may disrupt the consensus splice site. In summary, the currently available evidence indicates that the variant is pathogenic, but additional data are needed to prove that conclusively. Therefore, this variant has been classified as Likely Pathogenic.

Literature cited by the submitters: PubMed 16199547; PubMed 12215968; PubMed 17314340; PubMed 19162478; PubMed 19508421; PubMed 22277166; PubMed 25895478.